The following is an entry in ClinVar:

NM_002485.5(NBN):c.491C>T (p.Ala164Val)

Gene: NBN (nibrin; minus strand). Cytogenetic location: 8q21.3.
Variant type: single nucleotide variant.
Coding change: c.491C>T on transcript NM_002485.5 (MANE Select); coding-DNA position 491, C replaced by T.
Protein change: p.Ala164Val; replaces alanine 164 with valine.
Molecular consequence: missense variant.
Genome position (GRCh38, 1-based): chr8:89,978,313, G>A on the plus strand (C>T on the coding strand, the complement: NBN is on the minus strand). VCF-style: chr8-89978313-G-A. GRCh37 (hg19) VCF-style: chr8-90990541-G-A.
Other names: c.245C>T, p.Ala82Val (NM_001024688.3); short protein forms A164V, A82V.
Identifiers: ClinVar variation 2452410 (VCV002452410.2), dbSNP rs2129890035, ClinGen allele CA371660688.
Genomic context (GRCh38, chr8:89,978,313, plus strand): 5'-ACTGCTTTCAGGAATTCAGTAAAATATTCTGGCTTTACAATTGGACGTCCACAAATGAGT[G>A]CACATATTGTCTACAATGAAGAAAACATGTGAATATATATATTCACATGCTAGCATTTTT-3'
Protein context (NP_002476.2, residues 154-174): SVKVTIKTIC[Ala164Val]LICGRPIVKP

ClinVar aggregate classification (germline): Uncertain significance (1 of 4 stars; one submission).

Conditions:
Hereditary cancer-predisposing syndrome. Also called: Neoplastic Syndromes, Hereditary; Tumor predisposition; Hereditary neoplastic syndrome; Hereditary Cancer Syndrome. Identifiers: Orphanet 140162, MedGen C0027672, MeSH D009386, MONDO:0015356.

Submission:

Ambry Genetics
Classification: Uncertain significance for Hereditary cancer-predisposing syndrome. Last evaluated: 2023-03-13. Review status: criteria provided, single submitter. Criteria: Ambry Variant Classification Scheme 2023. Collection method: clinical testing. Allele origin: germline.
Comment: The p.A164V variant (also known as c.491C>T), located in coding exon 5 of the NBN gene, results from a C to T substitution at nucleotide position 491. The alanine at codon 164 is replaced by valine, an amino acid with similar properties. This amino acid position is highly conserved in available vertebrate species. In addition, this alteration is predicted to be deleterious by in silico analysis. Since supporting evidence is limited at this time, the clinical significance of this alteration remains unclear.